The following is an entry in ClinVar:

NM_001367624.2(ZNF469):c.8076G>A (p.Pro2692=)

Gene: ZNF469 (zinc finger protein 469; plus strand). Cytogenetic location: 16q24.2.
Variant type: single nucleotide variant.
Coding change: c.8076G>A on transcript NM_001367624.2 (MANE Select); coding-DNA position 8076, G replaced by A.
Protein change: p.Pro2692=; no amino-acid change (proline 2692 retained).
Molecular consequence: synonymous variant.
Genome position (GRCh38, 1-based): chr16:88,435,546, G>A. VCF-style: chr16-88435546-G-A. GRCh37 (hg19) VCF-style: chr16-88501954-G-A.
Other names: NM_001127464.1:c.7992G>A; p.Pro2692=.
Identifiers: ClinVar variation 195124 (VCV000195124.21), dbSNP rs149200506, ClinGen allele CA201580.

ClinVar aggregate classification (germline): Benign/Likely benign. Review status: criteria provided, multiple submitters, no conflicts (2 of 4 stars). 8 submissions from 8 submitters: Benign (3); Likely benign (5). Last evaluated 2026-02-02.

Conditions:
Brittle cornea syndrome 1 (BCS1). Also called: DYSGENESIS MESODERMALIS CORNEAE ET SCLERAE; CORNEAL FRAGILITY, KERATOGLOBUS, BLUE SCLERAE, JOINT HYPEREXTENSIBILITY; EDS6B; FRAGILITAS OCULI WITH JOINT HYPEREXTENSIBILITY; Corneal fragility keratoglobus, blue sclerae AND joint hypermobility. Identifiers: Orphanet 90354, MedGen C0268344, MONDO:0024543, OMIM 229200.
Cardiovascular phenotype. Identifiers: MedGen CN230736.

Allele frequency attached by ClinVar (database versions not stated): gnomAD exomes 0.00045; ExAC 0.00071; gnomAD 0.00143 and 0.00158; 1000 Genomes Project 30x 0.00172; TOPMed 0.00175; 1000 Genomes Project 0.00220.
gnomAD v4.1: 641 of 1,549,574 alleles (0.041%); highest among the groups gnomAD compares: African/African-American, 0.5%; 2 homozygotes.

Submissions (8):

Labcorp Genetics (formerly Invitae), Labcorp
Classification: Likely benign. Last evaluated: 2026-02-02. Review status: criteria provided, single submitter. Criteria: Invitae Variant Classification Sherloc (09022015). Collection method: clinical testing. Allele origin: germline.

Mayo Clinic Laboratories, Mayo Clinic
Classification: Likely benign. Last evaluated: 2025-07-16. Review status: criteria provided, single submitter. Criteria: ACMG Guidelines, 2015. Collection method: clinical testing. Allele origin: germline. Observed: 2 variant alleles.
Comment: BS1, BS2_supporting, BP4, BP7

Women's Health and Genetics/Laboratory Corporation of America, LabCorp
Classification: Likely benign. Last evaluated: 2024-11-19. Review status: criteria provided, single submitter. Criteria: LabCorp Variant Classification Summary - May 2015. Collection method: clinical testing. Allele origin: germline.

Fulgent Genetics
Classification: Benign for Brittle cornea syndrome 1. Last evaluated: 2022-01-14. Review status: criteria provided, single submitter. Criteria: ACMG Guidelines, 2015. Collection method: clinical testing. Allele origin: unknown.

Genome-Nilou Lab
Classification: Benign for Brittle cornea syndrome 1. Last evaluated: 2021-12-05. Review status: criteria provided, single submitter. Criteria: ACMG Guidelines, 2015. Collection method: clinical testing. Allele origin: germline. Affected: no.

GeneDx
Classification: Likely benign. Last evaluated: 2021-11-02. Review status: criteria provided, single submitter. Criteria: GeneDx Variant Classification Process June 2021. Collection method: clinical testing. Allele origin: germline. Affected: yes.

Ambry Genetics
Classification: Likely benign for Cardiovascular phenotype. Last evaluated: 2019-03-30. Review status: criteria provided, single submitter. Criteria: Ambry Variant Classification Scheme 2023. Collection method: clinical testing. Allele origin: germline.

Eurofins Ntd Llc (ga)
Classification: Benign. Last evaluated: 2014-07-14. Review status: criteria provided, single submitter. Criteria: EGL Classification Definitions 2015. Collection method: clinical testing. Allele origin: germline. Observed: 1 variant allele, 1 heterozygote.